The following is an entry in ClinVar:

GRCh37/hg19 Xq28(chrX:154112019-154625699)x2

Genes: MTCP1 (mature T cell proliferation 1; minus strand), BRCC3 (BRCA1/BRCA2-containing complex subunit 3; plus strand), CLIC2 (chloride intracellular channel 2; minus strand), CMC4 (C-X9-C motif containing 4; minus strand), F8 (coagulation factor VIII; minus strand) and 7 more. Cytogenetic location: Xq28.
Variant type: copy number gain.
Change: copy number 2 of chrX:154,112,019-154,625,699 (513.7 kb, GRCh37 coordinates, 1-based), cytogenetic band Xq28.
Identifiers: ClinVar variation 816415 (VCV000816415.1).

ClinVar aggregate classification (germline): Pathogenic (1 of 4 stars; one submission).

Submission:

Quest Diagnostics Nichols Institute San Juan Capistrano
Classification: Pathogenic. Last evaluated: 2023-08-18. Review status: criteria provided, single submitter. Criteria: ACMG/ClinGen CNV Guidelines, 2019. Collection method: clinical testing. Allele origin: unknown.
Comment: This gain overlaps the int22h1/int22h2-mediated Xq28 recurrent region, triplosensitivity of which is associated with Xq28 duplication syndrome (OMIM 300815; Rehm 2015, ISCA-37494; Ballout 2021, El-Hattab 2015, Isrie 2012, Vanmarsenille 2014). Thus, this copy number variant (CNV) is classified as pathogenic. References: Ballout et al., GeneReviews. 2021 Feb 25. PMID: 26962617; El-Hattab et al., BMC Med Genet. 2015 Mar 14;16:12. PMID: 25927380; Isrie et al., Eur J Med Genet. 2012 Nov;55(11):577-85. PMID: 22659343; Rehm et al., N Engl J Med. 2015 Jun 4;372(23):2235-42. PMID: 26014595 (ClinGen ISCA-37494); Vanmarsenille L. Hum Mutat. 2014 Mar;35(3):377-83. PMID: 24357492